The following is an entry in ClinVar:

ClinVar aggregate classification (germline): Pathogenic/Likely pathogenic. Review status: criteria provided, multiple submitters, no conflicts (2 of 4 stars). 3 submissions from 3 submitters: Pathogenic (1); Likely pathogenic (2). Last evaluated 2025-12-03.

Conditions:
Neuropathy, hereditary sensory and autonomic, type 2A (HSAN2A). Also called: HSAN IIA; WNK1-Related HSAN2 (HSAN2A); MORVAN DISEASE; NEUROPATHY, CONGENITAL SENSORY; NEUROPATHY, HEREDITARY SENSORY RADICULAR, AUTOSOMAL RECESSIVE; NEUROPATHY, HEREDITARY SENSORY, TYPE IIA. Identifiers: Orphanet 970, MedGen C2752089, MONDO:0024309, OMIM 201300.
Generalized epilepsy with febrile seizures plus, type 7 (GEFSP7). Also called: GEFS+, TYPE 7. Identifiers: Orphanet 36387, MedGen C2751778, MONDO:0013470, OMIM 613863.

Submissions (3):

Labcorp Genetics (formerly Invitae), Labcorp
Classification: Pathogenic for Neuropathy, hereditary sensory and autonomic, type 2A; Generalized epilepsy with febrile seizures plus, type 7. Last evaluated: 2025-12-03. Review status: criteria provided, single submitter. Criteria: Invitae Variant Classification Sherloc (09022015). Collection method: clinical testing. Allele origin: germline.
Comment: This sequence change creates a premature translational stop signal (p.Val205Leufs*2) in the SCN9A gene. It is expected to result in an absent or disrupted protein product. Loss-of-function variants in SCN9A are known to be pathogenic (PMID: 17470132, 19304393). This variant is not present in population databases (gnomAD no frequency). This premature translational stop signal has been observed in individual(s) with autism spectrum disorder (PMID: 25621899). This variant is also known as c.612_613insTT (p.V205fs). ClinVar contains an entry for this variant (Variation ID: 805403). Algorithms developed to predict the effect of sequence changes on RNA splicing suggest that this variant may disrupt the consensus splice site. For these reasons, this variant has been classified as Pathogenic.

Revvity Omics, Revvity
Classification: Likely pathogenic. Last evaluated: 2021-07-07. Review status: criteria provided, single submitter. Criteria: ACMG Guidelines, 2015. Collection method: clinical testing. Allele origin: germline.

Athena Diagnostics
Classification: Likely pathogenic. Last evaluated: 2018-11-15. Review status: criteria provided, single submitter. Criteria: Athena Diagnostics Criteria. Collection method: clinical testing. Allele origin: germline.
Comment: The variant results in a shift of the reading frame, and is therefore predicted to result in the loss of a functional protein. Not found in the total gnomAD dataset, and the data is high quality (0/281386 chr).

Literature cited by the submitters: PubMed 17470132 (cited by Labcorp Genetics (formerly Invitae), Labcorp); PubMed 19304393 (cited by Labcorp Genetics (formerly Invitae), Labcorp); PubMed 25621899 (cited by Labcorp Genetics (formerly Invitae), Labcorp and Athena Diagnostics).

NM_001365536.1(SCN9A):c.611_612dup (p.Val205fs)

Gene: SCN9A (sodium voltage-gated channel alpha subunit 9; minus strand). Cytogenetic location: 2q24.3.
Variant type: Duplication.
Coding change: c.611_612dup on transcript NM_001365536.1 (MANE Select); coding-DNA positions 611 to 612, 2 bases duplicated (TT; older notation c.611_612dupTT).
Protein change: p.Val205fs; shifts the reading frame from valine 205.
Molecular consequence: frameshift variant.
Genome position (GRCh38, 1-based): chr2:166,304,314-166,304,315, AA duplicated on the plus strand (TT on the coding strand, the reverse complement: SCN9A is on the minus strand); duplicating any 2 consecutive bases within chr2:166,304,314-166,304,316 gives the same sequence; the c. name uses the placement nearest the transcript's 3' end. VCF-style (leftmost placement, unchanged base first): chr2-166304313-C-CAA. GRCh37 (hg19) VCF-style: chr2-167160823-C-CAA.
Other names: c.610_611dup, p.Val205Leufs (NM_002977.4); short protein forms V205fs.
Identifiers: ClinVar variation 805403 (VCV000805403.9), dbSNP rs1574903287, ClinGen allele CA915942912.